The following is an entry in ClinVar:

ClinVar aggregate classification (germline): Likely benign. Review status: criteria provided, multiple submitters, no conflicts (2 of 4 stars). 5 submissions from 2 submitters: Likely benign (5). Last evaluated 2017-04-28.

Conditions:
Basal laminar drusen. Also called: DRUSEN OF BRUCH MEMBRANE; DRUSEN, CUTICULAR; DRUSEN, EARLY ADULT-ONSET, GROUPED. Identifiers: Orphanet 75376, MedGen C0730295, MONDO:0007472, OMIM 126700.
Hemolytic uremic syndrome, atypical, susceptibility to, 1. Also called: AHUS, SUSCEPTIBILITY TO, 1. Identifiers: Orphanet 2134, Orphanet 90038, MedGen C2749604, MONDO:0009335, OMIM 235400. Disease mechanism: Other.
CFH-Related Dense Deposit Disease / Membranoproliferative Glomerulonephritis Type II. Identifiers: MedGen CN071292.
Age related macular degeneration 4. Identifiers: MedGen C1853147, MONDO:0012540, OMIM 610698.

Allele frequency attached by ClinVar (database versions not stated): gnomAD 0.02215 and 0.02400; 1000 Genomes Project 30x 0.02452; 1000 Genomes Project 0.02456; gnomAD exomes 0.00251; TOPMed 0.02561.

Submissions (5):

Illumina Laboratory Services, Illumina
Classification: Likely benign for Basal laminar drusen. Last evaluated: 2017-04-28. Review status: criteria provided, single submitter. Criteria: ICSL Variant Classification Criteria 13 December 2019. Collection method: clinical testing. Allele origin: germline.
Comment: This variant was observed as part of a predisposition screen in an ostensibly healthy population. A literature search was performed for the gene, cDNA change, and amino acid change (where applicable). No publications were found based on this search. Allele frequency data from public databases allowed determination this variant is unlikely to cause disease. Therefore, this variant is classified as likely benign.

Illumina Laboratory Services, Illumina
Classification: Likely benign for Membranoproliferative glomerulonephritis with complement factor h deficiency. Last evaluated: 2017-04-28. Review status: criteria provided, single submitter. Criteria: ICSL Variant Classification Criteria 13 December 2019. Collection method: clinical testing. Allele origin: germline.
Comment: the same text as in the submission from Illumina Laboratory Services, Illumina above.

Illumina Laboratory Services, Illumina
Classification: Likely benign for Hemolytic uremic syndrome, atypical, susceptibility to, 1. Last evaluated: 2017-04-28. Review status: criteria provided, single submitter. Criteria: ICSL Variant Classification Criteria 13 December 2019. Collection method: clinical testing. Allele origin: germline.
Comment: the same text as in the submission from Illumina Laboratory Services, Illumina above.

Illumina Laboratory Services, Illumina
Classification: Likely benign for Age related macular degeneration 4. Last evaluated: 2017-04-28. Review status: criteria provided, single submitter. Criteria: ICSL Variant Classification Criteria 13 December 2019. Collection method: clinical testing. Allele origin: germline.
Comment: the same text as in the submission from Illumina Laboratory Services, Illumina above.

Breakthrough Genomics
Classification: Likely benign. Review status: criteria provided, single submitter. Criteria: ACMG Guidelines, 2015. Collection method: not provided. Allele origin: germline. Inheritance: Autosomal recessive inheritance. Affected: yes.

NM_000186.3(CFH):c.-79A>G

Gene: CFH (complement factor H; plus strand). Cytogenetic location: 1q31.3.
Variant type: single nucleotide variant.
Coding change: c.-79A>G on transcript NM_000186.3; 79 bases upstream of the start codon, A replaced by G.
Genome position (GRCh38, 1-based): chr1:196,652,039, A>G. VCF-style: chr1-196652039-A-G. GRCh37 (hg19) VCF-style: chr1-196621169-A-G.
Identifiers: ClinVar variation 294476 (VCV000294476.8), dbSNP rs35906110, ClinGen allele CA10608663.